The following is an entry in ClinVar:

ClinVar aggregate classification (germline): Uncertain significance. Review status: criteria provided, multiple submitters, no conflicts (2 of 4 stars). 2 submissions from 2 submitters: Uncertain significance (2). Last evaluated 2024-11-05.

gnomAD v4.1: 4 of 1,603,450 alleles (0.00025%); highest among the groups gnomAD compares: Admixed American, 0.0052%; no homozygotes.

Submissions (2):

Labcorp Genetics (formerly Invitae), Labcorp
Classification: Uncertain significance. Last evaluated: 2024-11-05. Review status: criteria provided, single submitter. Criteria: Invitae Variant Classification Sherloc (09022015). Collection method: clinical testing. Allele origin: germline.
Comment: This sequence change replaces arginine, which is basic and polar, with glycine, which is neutral and non-polar, at codon 154 of the KMT2B protein (p.Arg154Gly). This variant is present in population databases (no rsID available, gnomAD 0.003%). This variant has not been reported in the literature in individuals affected with KMT2B-related conditions. ClinVar contains an entry for this variant (Variation ID: 1698101). Invitae Evidence Modeling of protein sequence and biophysical properties (such as structural, functional, and spatial information, amino acid conservation, physicochemical variation, residue mobility, and thermodynamic stability) has been performed for this missense variant. However, the output from this modeling did not meet the statistical confidence thresholds required to predict the impact of this variant on KMT2B protein function. In summary, the available evidence is currently insufficient to determine the role of this variant in disease. Therefore, it has been classified as a Variant of Uncertain Significance.

GeneDx
Classification: Uncertain significance. Last evaluated: 2022-07-21. Review status: criteria provided, single submitter. Criteria: GeneDx Variant Classification Process June 2021. Collection method: clinical testing. Allele origin: germline. Affected: yes.
Comment: Not observed at significant frequency in large population cohorts (gnomAD); In silico analysis supports that this missense variant does not alter protein structure/function; Has not been previously published as pathogenic or benign to our knowledge

NM_014727.3(KMT2B):c.460C>G (p.Arg154Gly)

Gene: KMT2B (lysine methyltransferase 2B; plus strand). Cytogenetic location: 19q13.12.
Variant type: single nucleotide variant.
Coding change: c.460C>G on transcript NM_014727.3 (MANE Select); coding-DNA position 460, C replaced by G.
Protein change: p.Arg154Gly; replaces arginine 154 with glycine.
Molecular consequence: missense variant.
Genome position (GRCh38, 1-based): chr19:35,719,807, C>G. VCF-style: chr19-35719807-C-G. GRCh37 (hg19) VCF-style: chr19-36210709-C-G.
Other names: short protein forms R154G.
Identifiers: ClinVar variation 1698101 (VCV001698101.4), dbSNP rs780868475, ClinGen allele CA405378455.
Genomic context (GRCh38, chr19:35,719,807, plus strand): 5'-GGCTTGATCCATCTCCCCACAACTATTCTCCTTTTAGGTCGAGCGCCCCGAGGTCGGGGT[C>G]GCAAGCATAAGACGACCCCCCTTCCTCCTCCTCGCCTAGCAGATGTGGCTCCTACCCCCC-3'
Protein context (NP_055542.1, residues 144-164): QRGRAPRGRG[Arg154Gly]KHKTTPLPPP